The following is an entry in ClinVar:

ClinVar aggregate classification (germline): Uncertain significance (1 of 4 stars; one submission).

Conditions:
Propionic acidemia (PROP). Also called: GLYCINEMIA, KETOTIC; HYPERGLYCINEMIA WITH KETOACIDOSIS AND LEUKOPENIA; KETOTIC HYPERGLYCINEMIA. Identifiers: Orphanet 35, MedGen C0268579, MONDO:0011628, OMIM 606054, HP:0003571.

Submission:

Labcorp Genetics (formerly Invitae), Labcorp
Classification: Uncertain significance for Propionic acidemia. Last evaluated: 2022-02-24. Review status: criteria provided, single submitter. Criteria: Invitae Variant Classification Sherloc (09022015). Collection method: clinical testing. Allele origin: germline.
Comment: In summary, the available evidence is currently insufficient to determine the role of this variant in disease. Therefore, it has been classified as a Variant of Uncertain Significance. Advanced modeling of protein sequence and biophysical properties (such as structural, functional, and spatial information, amino acid conservation, physicochemical variation, residue mobility, and thermodynamic stability) performed at Invitae indicates that this missense variant is expected to disrupt PCCB protein function. This variant has not been reported in the literature in individuals affected with PCCB-related conditions. This variant is not present in population databases (gnomAD no frequency). This sequence change replaces threonine, which is neutral and polar, with arginine, which is basic and polar, at codon 214 of the PCCB protein (p.Thr214Arg).

NM_000532.5(PCCB):c.641C>G (p.Thr214Arg)

Gene: PCCB (propionyl-CoA carboxylase subunit beta; plus strand). Cytogenetic location: 3q22.3.
Variant type: single nucleotide variant.
Coding change: c.641C>G on transcript NM_000532.5 (MANE Select); coding-DNA position 641, C replaced by G.
Protein change: p.Thr214Arg; replaces threonine 214 with arginine.
Molecular consequence: missense variant.
Genome position (GRCh38, 1-based): chr3:136,283,934, C>G. VCF-style: chr3-136283934-C-G. GRCh37 (hg19) VCF-style: chr3-136002776-C-G.
Other names: c.701C>G, p.Thr234Arg (NM_001178014.2); short protein forms T234R, T214R.
Identifiers: ClinVar variation 1473782 (VCV001473782.6), dbSNP rs375740942, ClinGen allele CA354641958.